The following is an entry in ClinVar:

ClinVar aggregate classification (germline): Pathogenic (1 of 4 stars; one submission).

Conditions:
Autosomal recessive nonsyndromic hearing loss 77. Identifiers: Orphanet 90636, MedGen C2746083, MONDO:0013119, OMIM 613079.

Submission:

Myriad Genetics, Inc.
Classification: Pathogenic for Autosomal recessive nonsyndromic hearing loss 77. Last evaluated: 2023-09-02. Review status: criteria provided, single submitter. Criteria: Myriad Autosomal Dominant, Autosomal Recessive and X-Linked Classification Criteria (2023). Collection method: clinical testing. Allele origin: unknown.
Comment: NM_144612.6(LOXHD1):c.5380G>T(G1794*) is expected to be pathogenic in the context of nonsyndromic hearing loss, LOXHD1-related. This variant is predicted to lead to an abnormal or absent protein product due to the creation of a premature termination codon in LOXHD1, a gene where loss-of-function variants are known to be pathogenic. Please note: this variant was assessed in the context of healthy population screening.

NM_001384474.1(LOXHD1):c.5566G>T (p.Gly1856Ter)

Gene: LOXHD1 (lipoxygenase homology PLAT domains 1; minus strand). Cytogenetic location: 18q21.1.
Variant type: single nucleotide variant.
Coding change: c.5566G>T on transcript NM_001384474.1 (MANE Select); coding-DNA position 5566, G replaced by T.
Protein change: p.Gly1856Ter; replaces glycine 1856 with a stop codon.
Molecular consequence: nonsense.
Genome position (GRCh38, 1-based): chr18:46,507,664, C>A on the plus strand (G>T on the coding strand, the complement: LOXHD1 is on the minus strand). VCF-style: chr18-46507664-C-A. GRCh37 (hg19) VCF-style: chr18-44087627-C-A.
Other names: c.2233G>T, p.Gly745Ter (NM_001145472.3); c.283G>T, p.Gly95Ter (NM_001145473.3, NM_001173129.2); c.1945G>T, p.Gly649Ter (NM_001308013.2); c.5380G>T, p.Gly1794Ter (NM_144612.7); short protein forms G1794*, G1856*, G649*, G745*, G95*.
Identifiers: ClinVar variation 5011513 (VCV005011513.1).
Genomic context (GRCh38, chr18:46,507,664, plus strand): 5'-TAACGGCACACATTTCACACACCAGGGTCTTCTTGCCCTTCCGCTGGGACAGCCAGTCTC[C>A]ATAGTAGAACATGGTCAGGTCTCCAGTGTTCATGTTCTTCAGTAGGATCTGGGGGAGAGG-3'